The following is an entry in ClinVar:

NM_004082.5(DCTN1):c.31C>T (p.Arg11Trp)

Gene: DCTN1 (dynactin subunit 1; minus strand). Cytogenetic location: 2p13.1.
Variant type: single nucleotide variant.
Coding change: c.31C>T on transcript NM_004082.5 (MANE Select); coding-DNA position 31, C replaced by T.
Protein change: p.Arg11Trp; replaces arginine 11 with tryptophan.
Molecular consequence: missense variant. On other transcripts: intron variant (3).
Genome position (GRCh38, 1-based): chr2:74,380,007, G>A on the plus strand (C>T on the coding strand, the complement: DCTN1 is on the minus strand). VCF-style: chr2-74380007-G-A. GRCh37 (hg19) VCF-style: chr2-74607134-G-A.
Other names: c.31C>T, p.Arg11Trp (NM_001135040.3, NM_001190837.2); c.-18-1762C>T (NM_001190836.2, NM_001378992.1, NM_001378991.1); short protein forms R11W.
Identifiers: ClinVar variation 2064738 (VCV002064738.4), dbSNP rs1393688620, ClinGen allele CA347324115.

ClinVar aggregate classification (germline): Uncertain significance (1 of 4 stars; one submission).

Conditions:
Perry syndrome. Also called: PARKINSONISM WITH ALVEOLAR HYPOVENTILATION AND MENTAL DEPRESSION. Identifiers: Orphanet 178509, MedGen C1868594, MONDO:0008201, OMIM 168605.
Amyotrophic lateral sclerosis type 1 (ALS1). Also called: AMYOTROPHIC LATERAL SCLEROSIS 1, FAMILIAL. Identifiers: Orphanet 803, MedGen C1862939, MONDO:0007103, OMIM 105400.
Neuronopathy, distal hereditary motor, type 7B. Also called: HMN VIIB; LOWER MOTOR NEURON DISEASE, DYNACTIN TYPE; Distal Hereditary Motor Neuronopathy Type 7B (dHMN7B); NEURONOPATHY, DISTAL HEREDITARY MOTOR, AUTOSOMAL DOMINANT 14; NEURONOPATHY, DISTAL HEREDITARY MOTOR, HARDING TYPE VIIB; NEUROPATHY, DISTAL HEREDITARY MOTOR, HARDING TYPE VIIB. Identifiers: Orphanet 139589, MedGen C1843315, MONDO:0011879, OMIM 607641.

Allele frequency attached by ClinVar (database versions not stated): TOPMed below 0.00001.
gnomAD v4.1: 7 of 1,614,116 alleles (0.00043%); highest among the groups gnomAD compares: Non-Finnish European, 0.00059%; no homozygotes.

Submission:

Labcorp Genetics (formerly Invitae), Labcorp
Classification: Uncertain significance for Amyotrophic lateral sclerosis type 1; Neuronopathy, distal hereditary motor, type 7B; Perry syndrome. Last evaluated: 2025-09-29. Review status: criteria provided, single submitter. Criteria: Invitae Variant Classification Sherloc (09022015). Collection method: clinical testing. Allele origin: germline.
Comment: This sequence change replaces arginine, which is basic and polar, with tryptophan, which is neutral and slightly polar, at codon 11 of the DCTN1 protein (p.Arg11Trp). This variant is present in population databases (no rsID available, gnomAD 0.0009%). This variant has not been reported in the literature in individuals affected with DCTN1-related conditions. ClinVar contains an entry for this variant (Variation ID: 2064738). Invitae Evidence Modeling of protein sequence and biophysical properties (such as structural, functional, and spatial information, amino acid conservation, physicochemical variation, residue mobility, and thermodynamic stability) indicates that this missense variant is not expected to disrupt DCTN1 protein function with a negative predictive value of 95%. In summary, the available evidence is currently insufficient to determine the role of this variant in disease. Therefore, it has been classified as a Variant of Uncertain Significance.